The following is an entry in ClinVar:

NM_000843.4(GRM6):c.2339A>G (p.Asn780Ser)

Genes: GRM6 (glutamate metabotropic receptor 6; minus strand), ZNF454 (zinc finger protein 454; plus strand). Cytogenetic location: 5q35.3.
Variant type: single nucleotide variant.
Coding change: c.2339A>G on transcript NM_000843.4 (MANE Select); coding-DNA position 2339, A replaced by G.
Protein change: p.Asn780Ser; replaces asparagine 780 with serine.
Molecular consequence: missense variant.
Genome position (GRCh38, 1-based): chr5:178,983,007, T>C on the plus strand (A>G on the coding strand, the complement: GRM6 is on the minus strand). VCF-style: chr5-178983007-T-C. GRCh37 (hg19) VCF-style: chr5-178410008-T-C.
Other names: short protein forms N780S.
Identifiers: ClinVar variation 1062053 (VCV001062053.6), dbSNP rs1194874889, ClinGen allele CA362424428.

ClinVar aggregate classification (germline): Uncertain significance (1 of 4 stars; one submission).

Allele frequency attached by ClinVar (database versions not stated): TOPMed 0.00001.
gnomAD v4.1: 3 of 1,614,104 alleles (0.00019%); highest among the groups gnomAD compares: Admixed American, 0.005%; no homozygotes.

Submission:

Labcorp Genetics (formerly Invitae), Labcorp
Classification: Uncertain significance. Last evaluated: 2022-07-19. Review status: criteria provided, single submitter. Criteria: Invitae Variant Classification Sherloc (09022015). Collection method: clinical testing. Allele origin: germline.
Comment: This sequence change replaces asparagine, which is neutral and polar, with serine, which is neutral and polar, at codon 780 of the GRM6 protein (p.Asn780Ser). This variant is present in population databases (no rsID available, gnomAD 0.006%). This variant has not been reported in the literature in individuals affected with GRM6-related conditions. ClinVar contains an entry for this variant (Variation ID: 1062053). Advanced modeling of protein sequence and biophysical properties (such as structural, functional, and spatial information, amino acid conservation, physicochemical variation, residue mobility, and thermodynamic stability) performed at Invitae indicates that this missense variant is expected to disrupt GRM6 protein function. In summary, the available evidence is currently insufficient to determine the role of this variant in disease. Therefore, it has been classified as a Variant of Uncertain Significance.